The following is an entry in ClinVar:

ClinVar aggregate classification (germline): Likely pathogenic (1 of 4 stars; one submission).

Conditions:
Peroxisome biogenesis disorder 4A (Zellweger) (PBD4A). Also called: Zellweger syndrome spectrum (PEX6-related). Identifiers: Orphanet 912, MedGen C3553936, MONDO:0013930, OMIM 614862. Disease mechanism: loss of function.

Submission:

Myriad Genetics, Inc.
Classification: Likely pathogenic for Peroxisome biogenesis disorder 4A (Zellweger). Last evaluated: 2022-03-06. Review status: criteria provided, single submitter. Criteria: Myriad Women's Health Autosomal Recessive and X-Linked Classification Criteria (2021). Collection method: clinical testing. Allele origin: unknown.
Comment: NM_000287.3(PEX6):c.2227delC(H743Mfs*15) is expected to be pathogenic in the context of peroxisome biogenesis disorder type 4. This variant is predicted to lead to an abnormal or absent protein product due to the creation of a premature termination codon in PEX6, a gene where loss-of-function variants are known to be pathogenic. Please note: this variant was assessed in the context of healthy population screening.

NM_000287.4(PEX6):c.2227del (p.His743fs)

Gene: PEX6 (peroxisomal biogenesis factor 6; minus strand). Cytogenetic location: 6p21.1.
Variant type: Deletion.
Coding change: c.2227del on transcript NM_000287.4 (MANE Select); coding-DNA position 2227, one base deleted (C; older notation c.2227delC).
Protein change: p.His743fs; shifts the reading frame from histidine 743.
Molecular consequence: frameshift variant.
Genome position (GRCh38, 1-based): chr6:42,966,315, G deleted on the plus strand (C on the coding strand, the reverse complement: PEX6 is on the minus strand); the first of 2 consecutive G bases (chr6:42,966,315-42,966,316); deleting either gives the same sequence. VCF-style (leftmost placement, unchanged base first): chr6-42966314-TG-T. GRCh37 (hg19) VCF-style: chr6-42934052-TG-T.
Other names: c.1963del, p.His655fs (NM_001316313.2); short protein forms H655fs, H743fs.
Identifiers: ClinVar variation 1725064 (VCV001725064.2), dbSNP rs2481208048, ClinGen allele CA2580074617.